The following is an entry in ClinVar:

ClinVar aggregate classification (germline): Uncertain significance (1 of 4 stars; one submission).

Conditions:
BAP1-related tumor predisposition syndrome (TPDS1). Also called: BAP1 tumor predisposition syndrome; TUMOR PREDISPOSITION SYNDROME 1; Tumor susceptibility linked to germline BAP1 mutations; COMMON Syndrome. Identifiers: Orphanet 289539, MedGen C3280492, MONDO:0013692, OMIM 614327.

gnomAD v4.1: 1 of 1,614,190 alleles (0.000062%); highest among the groups gnomAD compares: East Asian, 0.0022%; no homozygotes.

Submission:

Labcorp Genetics (formerly Invitae), Labcorp
Classification: Uncertain significance for BAP1-related tumor predisposition syndrome. Last evaluated: 2025-07-30. Review status: criteria provided, single submitter. Criteria: Invitae Variant Classification Sherloc (09022015). Collection method: clinical testing. Allele origin: germline.
Comment: This sequence change replaces valine, which is neutral and non-polar, with alanine, which is neutral and non-polar, at codon 247 of the BAP1 protein (p.Val247Ala). This variant is not present in population databases (gnomAD no frequency). This variant has not been reported in the literature in individuals affected with BAP1-related conditions. Invitae Evidence Modeling of protein sequence and biophysical properties (such as structural, functional, and spatial information, amino acid conservation, physicochemical variation, residue mobility, and thermodynamic stability) indicates that this missense variant is not expected to disrupt BAP1 protein function with a negative predictive value of 80%. In summary, the available evidence is currently insufficient to determine the role of this variant in disease. Therefore, it has been classified as a Variant of Uncertain Significance.

NM_004656.4(BAP1):c.740T>C (p.Val247Ala)

Gene: BAP1 (BRCA1 associated deubiquitinase 1; minus strand). Cytogenetic location: 3p21.1.
Variant type: single nucleotide variant.
Coding change: c.740T>C on transcript NM_004656.4 (MANE Select); coding-DNA position 740, T replaced by C.
Protein change: p.Val247Ala; replaces valine 247 with alanine.
Molecular consequence: missense variant.
Genome position (GRCh38, 1-based): chr3:52,406,296, A>G on the plus strand (T>C on the coding strand, the complement: BAP1 is on the minus strand). VCF-style: chr3-52406296-A-G. GRCh37 (hg19) VCF-style: chr3-52440312-A-G.
Other names: c.686T>C, p.Val229Ala (NM_001410772.1); short protein forms V247A, V229A.
Identifiers: ClinVar variation 4740356 (VCV004740356.1).
Genomic context (GRCh38, chr3:52,406,296, plus strand): 5'-GAAGAAAGGGCACCTACCTGCTGCAGAGCCTCTAGTACTGTCTGACGGTTCACCTTCAGC[A>G]CATGCAGCCTGGCCTCATACTTGATCCTGCGGTCGGGCACCACTGCCATCAGGTTGAAGC-3'
Protein context (NP_004647.1, residues 237-257): RRIKYEARLH[Val247Ala]LKVNRQTVLE